The following is an entry in ClinVar:

NM_006514.4(SCN10A):c.1039C>G (p.Leu347Val)

Gene: SCN10A (sodium voltage-gated channel alpha subunit 10; minus strand). Cytogenetic location: 3p22.2.
Variant type: single nucleotide variant.
Coding change: c.1039C>G on transcript NM_006514.4 (MANE Select); coding-DNA position 1039, C replaced by G.
Protein change: p.Leu347Val; replaces leucine 347 with valine.
Molecular consequence: missense variant.
Genome position (GRCh38, 1-based): chr3:38,757,071, G>C on the plus strand (C>G on the coding strand, the complement: SCN10A is on the minus strand). VCF-style: chr3-38757071-G-C. GRCh37 (hg19) VCF-style: chr3-38798562-G-C.
Other names: c.1039C>G, p.Leu347Val (NM_001293306.2, NM_001293307.2); short protein forms L347V.
Identifiers: ClinVar variation 1773477 (VCV001773477.3), dbSNP rs754113034, ClinGen allele CA2320992.

ClinVar aggregate classification (germline): Uncertain significance (1 of 4 stars; one submission).

Conditions:
Cardiovascular phenotype. Identifiers: MedGen CN230736.

Allele frequency attached by ClinVar (database versions not stated): ExAC 0.00001.
gnomAD v4.1: 2 of 1,613,870 alleles (0.00012%); highest among the groups gnomAD compares: Admixed American, 0.0033%; no homozygotes.

Submission:

Ambry Genetics
Classification: Uncertain significance for Cardiovascular phenotype. Last evaluated: 2024-06-14. Review status: criteria provided, single submitter. Criteria: Ambry Variant Classification Scheme 2023. Collection method: clinical testing. Allele origin: germline.
Comment: The p.L347V variant (also known as c.1039C>G), located in coding exon 8 of the SCN10A gene, results from a C to G substitution at nucleotide position 1039. The leucine at codon 347 is replaced by valine, an amino acid with highly similar properties. This amino acid position is highly conserved in available vertebrate species. In addition, this alteration is predicted to be deleterious by in silico analysis. Since supporting evidence is limited at this time, the clinical significance of this alteration remains unclear.